The following is an entry in ClinVar:

NM_006164.5(NFE2L2):c.1303G>C (p.Gly435Arg)

Gene: NFE2L2 (NFE2 like bZIP transcription factor 2; minus strand). Cytogenetic location: 2q31.2.
Variant type: single nucleotide variant.
Coding change: c.1303G>C on transcript NM_006164.5 (MANE Select); coding-DNA position 1303, G replaced by C.
Protein change: p.Gly435Arg; replaces glycine 435 with arginine.
Molecular consequence: missense variant.
Genome position (GRCh38, 1-based): chr2:177,231,300, C>G on the plus strand (G>C on the coding strand, the complement: NFE2L2 is on the minus strand). VCF-style: chr2-177231300-C-G. GRCh37 (hg19) VCF-style: chr2-178096028-C-G.
Other names: c.1255G>C, p.Gly419Arg (NM_001145412.3, NM_001313900.1, NM_001313901.1); c.1234G>C, p.Gly412Arg (NM_001145413.3); c.1213G>C, p.Gly405Arg (NM_001313902.2); c.1084G>C, p.Gly362Arg (NM_001313903.2); c.1003G>C, p.Gly335Arg (NM_001313904.1); short protein forms G412R, G362R, G419R, G435R, G335R, G405R.
Identifiers: ClinVar variation 1477495 (VCV001477495.6), dbSNP rs375972211, ClinGen allele CA1979706.

ClinVar aggregate classification (germline): Uncertain significance (1 of 4 stars; one submission).

Allele frequency attached by ClinVar (database versions not stated): gnomAD 0.00001; TOPMed 0.00001; ExAC 0.00002; gnomAD exomes 0.00003 and 0.00004; ESP Exome Variant Server 0.00008.
gnomAD v4.1: 65 of 1,614,114 alleles (0.004%); highest among the groups gnomAD compares: Non-Finnish European, 0.0053%; no homozygotes.

Submission:

Labcorp Genetics (formerly Invitae), Labcorp
Classification: Uncertain significance. Last evaluated: 2022-02-05. Review status: criteria provided, single submitter. Criteria: Invitae Variant Classification Sherloc (09022015). Collection method: clinical testing. Allele origin: germline.
Comment: In summary, the available evidence is currently insufficient to determine the role of this variant in disease. Therefore, it has been classified as a Variant of Uncertain Significance. Algorithms developed to predict the effect of missense changes on protein structure and function (SIFT, PolyPhen-2, Align-GVGD) all suggest that this variant is likely to be disruptive. This variant has not been reported in the literature in individuals affected with NFE2L2-related conditions. This variant is present in population databases (rs375972211, gnomAD 0.005%). This sequence change replaces glycine, which is neutral and non-polar, with arginine, which is basic and polar, at codon 435 of the NFE2L2 protein (p.Gly435Arg).